The following is an entry in ClinVar:

NM_022765.4(MICAL1):c.1150G>A (p.Ala384Thr)

Gene: MICAL1 (microtubule associated monooxygenase, calponin and LIM domain containing 1; minus strand). Cytogenetic location: 6q21.
Variant type: single nucleotide variant.
Coding change: c.1150G>A on transcript NM_022765.4 (MANE Select); coding-DNA position 1150, G replaced by A.
Protein change: p.Ala384Thr; replaces alanine 384 with threonine.
Molecular consequence: missense variant. On other transcripts: intron variant (1).
Genome position (GRCh38, 1-based): chr6:109,450,341, C>T on the plus strand (G>A on the coding strand, the complement: MICAL1 is on the minus strand). VCF-style: chr6-109450341-C-T. GRCh37 (hg19) VCF-style: chr6-109771544-C-T.
Other names: c.1150G>A (NM_022765.3); c.1207G>A, p.Ala403Thr (NM_001286613.2); c.934-256G>A (NM_001159291.2); short protein forms A403T, A384T.
Identifiers: ClinVar variation 1948477 (VCV001948477.6), dbSNP rs1258399774, ClinGen allele CA365230863.

ClinVar aggregate classification (germline): Uncertain significance. Review status: criteria provided, multiple submitters, no conflicts (2 of 4 stars). 2 submissions from 2 submitters: Uncertain significance (2). Last evaluated 2025-01-24.

Allele frequency attached by ClinVar (database versions not stated): gnomAD exomes below 0.00001.
gnomAD v4.1: 6 of 1,610,350 alleles (0.00037%); highest among the groups gnomAD compares: South Asian, 0.0011%; no homozygotes.

Submissions (2):

Ambry Genetics
Classification: Uncertain significance. Last evaluated: 2025-01-24. Review status: criteria provided, single submitter. Criteria: Ambry Variant Classification Scheme 2023. Collection method: clinical testing. Allele origin: germline.

Labcorp Genetics (formerly Invitae), Labcorp
Classification: Uncertain significance. Last evaluated: 2024-02-25. Review status: criteria provided, single submitter. Criteria: Invitae Variant Classification Sherloc (09022015). Collection method: clinical testing. Allele origin: germline.
Comment: This sequence change replaces alanine, which is neutral and non-polar, with threonine, which is neutral and polar, at codon 403 of the MICAL1 protein (p.Ala403Thr). This variant is present in population databases (no rsID available, gnomAD 0.0009%). This variant has not been reported in the literature in individuals affected with MICAL1-related conditions. ClinVar contains an entry for this variant (Variation ID: 1948477). Algorithms developed to predict the effect of missense changes on protein structure and function output the following: SIFT: "Not Available"; PolyPhen-2: "Benign"; Align-GVGD: "Not Available". The threonine amino acid residue is found in multiple mammalian species, which suggests that this missense change does not adversely affect protein function. In summary, the available evidence is currently insufficient to determine the role of this variant in disease. Therefore, it has been classified as a Variant of Uncertain Significance.